The following is an entry in ClinVar:

NM_033360.4(KRAS):c.351A>C (p.Lys117Asn)

Gene: KRAS (KRas proto-oncogene, GTPase; minus strand). Cytogenetic location: 12p12.1.
Variant type: single nucleotide variant.
Coding change: c.351A>C on transcript NM_033360.4 (MANE Plus Clinical); coding-DNA position 351, A replaced by C.
Protein change: p.Lys117Asn; replaces lysine 117 with asparagine.
Molecular consequence: missense variant.
Genome position (GRCh38, 1-based): chr12:25,225,713, T>G on the plus strand (A>C on the coding strand, the complement: KRAS is on the minus strand). VCF-style: chr12-25225713-T-G. GRCh37 (hg19) VCF-style: chr12-25378647-T-G.
Other names: c.351A>C, p.Lys117Asn (NM_001369786.1, NM_001369787.1, NM_004985.5 and 2 more transcripts); short protein forms K117N.
Identifiers: ClinVar variation 375965 (VCV000375965.44), dbSNP rs770248150, ClinGen allele CA6486888.

ClinVar aggregate classification (germline): Pathogenic. Review status: criteria provided, multiple submitters, no conflicts (2 of 4 stars). 3 submissions from 3 submitters: Pathogenic (2). 1 of the submissions does not count toward it. Last evaluated 2023-01-01.
ClinVar aggregate classification (somatic clinical impact): Tier I - Strong. Review status: criteria provided, single submitter (1 of 4 stars). 2 submissions from 1 submitter. Last evaluated 2025-04-15.

Conditions:
Encephalocraniocutaneous lipomatosis (ECCL). Identifiers: Orphanet 2396, MedGen C0406612, MONDO:0013074, OMIM 613001.
Colorectal cancer. Also called: Malignant Colorectal Neoplasm; Colorectal cancer, somatic. Identifiers: MedGen C0346629, MONDO:0005575, OMIM 114500.
Embryonal rhabdomyosarcoma (ERMS). Also called: Botryoid rhabdomyosarcoma (type of ERMS); Spindle cell rhabdomyosarcomas (type of ERMS). Identifiers: Orphanet 99757, MedGen C0206656, MONDO:0009993, HP:0006743.
Primary intracranial sarcoma, DICER1-mutant. Identifiers: MedGen C5670660, MONDO:0858967.

Allele frequency attached by ClinVar (database versions not stated): gnomAD exomes below 0.00001; ExAC 0.00001.

Submissions (5):

Institute for Genomic Medicine (IGM) Clinical Laboratory, Nationwide Children's Hospital
Classification: Tier I - Strong for Embryonal rhabdomyosarcoma. Assertion type: diagnostic. Clinical significance: supports diagnosis. Last evaluated: 2025-04-15. Review status: criteria provided, single submitter. Criteria: AMP/ASCO/CAP Guidelines, 2017. Collection method: clinical testing. Allele origin: somatic. Affected: yes.
Comment: Variant has Tier I (strong) clinical significance as a diagnostic inclusion criterion in embryonal rhabdomyosarcoma, based on the following evidence: 1) Documented in one or more cancer databases (e.g., St. Jude Pecan, COSMIC, CIViC, OncoKB). 2) Appears in one or more well-established professional guidelines (e.g., World Health Organization [WHO]; National Comprehensive Cancer Network [NCCN]) as providing diagnostic, prognostic, or therapeutic information. 3) Information in the literature supports potential biologic effect of variant (PMIDs: 20147967, 20570890). 4) Diagnostic for a specific tumor type/classification based on well-powered studies with expert-level consensus (Evidence Level B; PMIDs: 24436047, 34166060, 25768946, 24332040, 26138366, 24332036).

Clinical Laboratory Sciences Program (CLSP), King Saud bin Abdulaziz University for Health Sciences (KSAU-HS)
Classification: Pathogenic for Colorectal cancer. Last evaluated: 2023-01-01. Review status: criteria provided, single submitter. Criteria: ACMG Guidelines, 2015. Collection method: clinical testing. Allele origin: germline. Affected: yes.
Comment: PS1, PM1, PM5, PP3, PM2

Institute for Genomic Medicine (IGM) Clinical Laboratory, Nationwide Children's Hospital
Classification: Tier I - Strong for Primary intracranial sarcoma, DICER1-mutant. Assertion type: diagnostic. Clinical significance: supports diagnosis. Last evaluated: 2022-11-24. Review status: criteria provided, single submitter. Criteria: AMP/ASCO/CAP Guidelines, 2017. Collection method: clinical testing. Allele origin: somatic. Affected: yes.
Comment: Variant has Tier I (strong) clinical significance as a diagnostic inclusion criterion in primary intracranial sarcoma, DICER1-mutant, based on the following evidence: 1) Documented in one or more cancer databases (e.g., St. Jude Pecan, COSMIC, CIViC, OncoKB). 2) Appears in one or more well-established professional guidelines (e.g., World Health Organization [WHO]; National Comprehensive Cancer Network [NCCN]) as providing diagnostic, prognostic, or therapeutic information. 3) Information in the literature supports potential biologic effect of variant (PMID: 20570890). 4) Diagnostic for a specific tumor type/classification based on well-powered studies with expert-level consensus (Evidence Level B; PMIDs: 29881993, 30649606, 32291395).

CeGaT Center for Human Genetics Tuebingen
Classification: Pathogenic. Last evaluated: 2020-05-01. Review status: criteria provided, single submitter. Criteria: CeGaT Center For Human Genetics Tuebingen Variant Classification Criteria Version 2. Collection method: clinical testing. Allele origin: germline. Affected: yes. Observed: 1 variant allele.

Genomics For Life
Classification: Pathogenic for Encephalocraniocutaneous lipomatosis. Review status: no assertion criteria provided. Collection method: clinical testing. Allele origin: unknown. Inheritance: Somatic mutation. Affected: yes. Not counted in ClinVar's aggregate classification.
Comment: Whilst the KRAS c.351A>C; p.(Lys117Asn) variant has not previously been reported in oculocutaneous somatic mosaic RASopathies, KRAS pathogenic variants (p.(Ala146Thr), p.(Gly12Asp)) have been reported in these conditions (Chacon-Camacho, Lopez-Moreno et al. 2019). The KRAS c.351A>C; p.(Lys117Asn) (Chr12:g.25378647A>G) variant is equivalent to variant Chr12:g.25378647T>A (Lys117Asn), classified Pathogenic, by ClinVar. The variant is located in a mutational hot spot and/or critical and well-established functional domain without benign variation: UniProt protein RASK_HUMAN nucleotide phosphate binding region 'GTP' has 3 non-VUS missense/in-frame/non-synonymous variants (3 pathogenic and 0 benign), pathogenicity = 100.0% which is more than threshold 50.0%. The variant is found in low frequencies in GnomAD exomes (1/ 251128, allele count = 1 is less than 5 for gene KRAS (good gnomAD exomes coverage = 76.4)) and is not annotated in gnomAD genomes (good gnomAD genomes coverage = 30.4). The variant is a missense variant in a KRAS that has a low rate of benign missense variation and in which missense variants are a common mechanism of disease: 221 out of 225 non-VUS missense variants in gene KRAS are pathogenic = 98.2% which is more than threshold of 51.0%, and 237 out of 418 clinically reported variants in gene KRAS are pathogenic = 56.7% which is more than threshold of 12.0%). In silico analysis of the KRAS c.351A>C; p.(Lys117Asn) variant predicts it to be Deleterious in SIFT (0.0), Damaging in PolyPhen (1.0) and Disease Causing in MutationTaster (Grantham Score: 94.0) with amino acid sequence changed, protein feature possibly affected and is annotated as a known disease mutation (ClinVar ID 375965) (Schwarz, Cooper et al. 2014). Pathogenic computational verdict based on 12 pathogenic predictions from BayesDel_addAF, DANN, DEOGEN2, EIGEN, FATHMM-MKL, LIST-S2, M-CAP, MVP, MutationAssessor, MutationTaster, PrimateAI and SIFT vs no benign predictions (Kopanos, Tsiolkas et al. 2018). ClinVar classifies this variant as Pathogenic, 1 star, associated with a number of different tumour types. Based on a modification of the ACMG Guidelines (Richards, Aziz et al. 2015, Sukhai, Craddock et al. 2016), the KRAS c.351A>C; p.(Lys117Asn) is classified as a pathogenic variant.

Literature cited by the submitters: PubMed 20147967 (cited by Institute for Genomic Medicine (IGM) Clinical Laboratory, Nationwide Children's Hospital); PubMed 20570890 (cited by Institute for Genomic Medicine (IGM) Clinical Laboratory, Nationwide Children's Hospital); PubMed 24436047 (cited by Institute for Genomic Medicine (IGM) Clinical Laboratory, Nationwide Children's Hospital); PubMed 34166060 (cited by Institute for Genomic Medicine (IGM) Clinical Laboratory, Nationwide Children's Hospital); PubMed 25768946 (cited by Institute for Genomic Medicine (IGM) Clinical Laboratory, Nationwide Children's Hospital); PubMed 24332040 (cited by Institute for Genomic Medicine (IGM) Clinical Laboratory, Nationwide Children's Hospital); PubMed 26138366 (cited by Institute for Genomic Medicine (IGM) Clinical Laboratory, Nationwide Children's Hospital); PubMed 24332036 (cited by Institute for Genomic Medicine (IGM) Clinical Laboratory, Nationwide Children's Hospital); PubMed 29881993 (cited by Institute for Genomic Medicine (IGM) Clinical Laboratory, Nationwide Children's Hospital); PubMed 30649606 (cited by Institute for Genomic Medicine (IGM) Clinical Laboratory, Nationwide Children's Hospital); PubMed 32291395 (cited by Institute for Genomic Medicine (IGM) Clinical Laboratory, Nationwide Children's Hospital); PubMed 30891959 (cited by Genomics For Life).